The following is an entry in ClinVar:

NM_001110556.2(FLNA):c.2943G>A (p.Glu981=)

Gene: FLNA (filamin A; minus strand). Cytogenetic location: Xq28.
Variant type: single nucleotide variant.
Coding change: c.2943G>A on transcript NM_001110556.2 (MANE Select); coding-DNA position 2943, G replaced by A.
Protein change: p.Glu981=; no amino-acid change (glutamic acid 981 retained).
Molecular consequence: synonymous variant.
Genome position (GRCh38, 1-based): chrX:154,361,671, C>T on the plus strand (G>A on the coding strand, the complement: FLNA is on the minus strand). VCF-style: chrX-154361671-C-T. GRCh37 (hg19) VCF-style: chrX-153590039-C-T.
Other names: c.2943G>A, p.Glu981= (NM_001456.4).
Identifiers: ClinVar variation 2937376 (VCV002937376.3), dbSNP rs782755538, ClinGen allele CA519708412.
Genomic context (GRCh38, chrX:154,361,671, plus strand): 5'-AGCTCAGCCAATCCCTGGATGTGACAAAGGCCTTTGCGACAAGGGCCCCAACTACTTACT[C>T]TCTCCCAGGCCAGACACCTTGATCTTGCTGAGGTCCAGGCTTGGAGATACTGCCACTGAG-3'
Protein context (NP_001104026.1, residues 971-991): LSKIKVSGLG[Glu981=]KVDVGKDQEF

ClinVar aggregate classification (germline): Uncertain significance (1 of 4 stars; one submission).

Conditions:
Oto-palato-digital syndrome, type II (OPD2). Also called: FACIOPALATOOSSEOUS SYNDROME; OPD II SYNDROME; Otopalatodigital Syndrome, Type II; Otopalatodigital Syndrome Type 2 (FLNA-OPD2). Identifiers: Orphanet 669, Orphanet 90652, MedGen C1844696, MONDO:0010571, OMIM 304120.
Heterotopia, periventricular, X-linked dominant (PVNH1). Also called: PERIVENTRICULAR NODULAR HETEROTOPIA 1; X-linked periventricular heterotopia; PERIVENTRICULAR NODULAR HETEROTOPIA 4; HETEROTOPIA, PERIVENTRICULAR, 1. Identifiers: Orphanet 2149, Orphanet 82004, MedGen C1848213, MONDO:0010233, OMIM 300049.
Frontometaphyseal dysplasia (FMD1). Identifiers: Orphanet 1826, MedGen C0265293, MONDO:0015942.
Melnick-Needles syndrome (MNS). Also called: MELNICK-NEEDLES OSTEODYSPLASTY; OSTEODYSPLASTY OF MELNICK AND NEEDLES; Melnick-Needles Syndrome (FLNA-MNS). Identifiers: Orphanet 2484, MedGen C0025237, MONDO:0010650, OMIM 309350.

Submission:

Labcorp Genetics (formerly Invitae), Labcorp
Classification: Uncertain significance for Oto-palato-digital syndrome, type II; Heterotopia, periventricular, X-linked dominant; Frontometaphyseal dysplasia; Melnick-Needles syndrome. Last evaluated: 2024-10-24. Review status: criteria provided, single submitter. Criteria: Invitae Variant Classification Sherloc (09022015). Collection method: clinical testing. Allele origin: germline.
Comment: This sequence change affects codon 981 of the FLNA mRNA. It is a 'silent' change, meaning that it does not change the encoded amino acid sequence of the FLNA protein. It affects a nucleotide within the consensus splice site. This variant is not present in population databases (gnomAD no frequency). This variant has not been reported in the literature in individuals affected with FLNA-related conditions. Algorithms developed to predict the effect of sequence changes on RNA splicing suggest that this variant is not likely to affect RNA splicing. In summary, the available evidence is currently insufficient to determine the role of this variant in disease. Therefore, it has been classified as a Variant of Uncertain Significance.